The following is an entry in ClinVar:

ClinVar aggregate classification (germline): Uncertain significance. Review status: criteria provided, multiple submitters, no conflicts (2 of 4 stars). 3 submissions from 3 submitters: Uncertain significance (2). 1 of the submissions does not count toward it. Last evaluated 2026-07-01.

Conditions:
Glycogen storage disease, type II (IOPD). Also called: CARDIOMEGALIA GLYCOGENICA DIFFUSA; Glycogen storage disease type 2; Acid maltase deficiency disease; Aglucosidase alfa; Deficiency of alpha-glucosidase; Deficiency of lysosomal alpha-glucosidase. Identifiers: Orphanet 365, MedGen C0017921, MONDO:0009290, OMIM 232300.

Allele frequency attached by ClinVar (database versions not stated): gnomAD 0.00001; gnomAD exomes 0.00001 and 0.00004; TOPMed 0.00002; ExAC 0.00005.

Submissions (3):

Genomenon, Inc
Classification: Uncertain significance for Glycogen storage disease, type II. Last evaluated: 2026-07-01. Review status: criteria provided, single submitter. Criteria: Genomenon Sequence Variant Interpretation Standards - Updated. Collection method: curation. Allele origin: germline. Affected: no.
Comment: GAA p.Arg436Trp (c.1306C>T) is a missense variant that changes the amino acid at codon 436 from Arginine to Tryptophan. This variant has been reported in the published literature (PMID:32802993). It is absent or not present at a significant frequency in gnomAD. In conclusion, we classify GAA p.Arg436Trp (c.1306C>T) as a variant of uncertain significance.

Labcorp Genetics (formerly Invitae), Labcorp
Classification: Uncertain significance for Glycogen storage disease, type II. Last evaluated: 2021-08-28. Review status: criteria provided, single submitter. Criteria: Invitae Variant Classification Sherloc (09022015). Collection method: clinical testing. Allele origin: germline.
Comment: This sequence change replaces arginine with tryptophan at codon 436 of the GAA protein (p.Arg436Trp). The arginine residue is moderately conserved and there is a moderate physicochemical difference between arginine and tryptophan. This variant is present in population databases (rs777372252, ExAC 0.06%). This variant has not been reported in the literature in individuals affected with GAA-related conditions. Algorithms developed to predict the effect of missense changes on protein structure and function are either unavailable or do not agree on the potential impact of this missense change (SIFT: "Deleterious"; PolyPhen-2: "Possibly Damaging"; Align-GVGD: "Class C0"). In summary, the available evidence is currently insufficient to determine the role of this variant in disease. Therefore, it has been classified as a Variant of Uncertain Significance.

Natera, Inc.
Classification: Uncertain significance for Glycogen storage disease type II. Last evaluated: 2020-06-19. Review status: no assertion criteria provided. Collection method: clinical testing. Allele origin: germline. Not counted in ClinVar's aggregate classification.

Literature cited by the submitters: PubMed 32802993 (cited by Genomenon, Inc).

NM_000152.5(GAA):c.1306C>T (p.Arg436Trp)

Gene: GAA (alpha glucosidase; plus strand). Cytogenetic location: 17q25.3.
Variant type: single nucleotide variant.
Coding change: c.1306C>T on transcript NM_000152.5 (MANE Select); coding-DNA position 1306, C replaced by T.
Protein change: p.Arg436Trp; replaces arginine 436 with tryptophan.
Molecular consequence: missense variant.
Genome position (GRCh38, 1-based): chr17:80,108,808, C>T. VCF-style: chr17-80108808-C-T. GRCh37 (hg19) VCF-style: chr17-78082607-C-T.
Other names: c.1306C>T, p.Arg436Trp (NM_001079803.3, NM_001079804.3); short protein forms R436W.
Identifiers: ClinVar variation 951262 (VCV000951262.8), dbSNP rs777372252, ClinGen allele CA8815255.